The following is an entry in ClinVar:

NM_014956.5(CEP164):c.3912G>A (p.Arg1304=)

Gene: CEP164 (centrosomal protein 164; plus strand). Cytogenetic location: 11q23.3.
Variant type: single nucleotide variant.
Coding change: c.3912G>A on transcript NM_014956.5 (MANE Select); coding-DNA position 3912, G replaced by A.
Protein change: p.Arg1304=; no amino-acid change (arginine 1304 retained).
Molecular consequence: synonymous variant.
Genome position (GRCh38, 1-based): chr11:117,409,781, G>A. VCF-style: chr11-117409781-G-A. GRCh37 (hg19) VCF-style: chr11-117280497-G-A.
Other names: c.3897G>A, p.Arg1299= (NM_001271933.2); c.3912G>A (NM_014956.4).
Identifiers: ClinVar variation 1141970 (VCV001141970.11), dbSNP rs146634951, ClinGen allele CA6295616.

ClinVar aggregate classification (germline): Likely benign. Review status: criteria provided, multiple submitters, no conflicts (2 of 4 stars). 3 submissions from 3 submitters: Likely benign (3). Last evaluated 2025-10-15.

Conditions:
Nephronophthisis 15 (NPHP15). Identifiers: Orphanet 3156, MedGen C3541853, MONDO:0013917, OMIM 614845.
CEP164-related disorder. Also called: CEP164-related condition.

Allele frequency attached by ClinVar (database versions not stated): gnomAD exomes 0.00001 and 0.00002; ExAC 0.00003; gnomAD 0.00013 and 0.00014; ESP Exome Variant Server 0.00023.
gnomAD v4.1: 39 of 1,613,712 alleles (0.0024%); highest among the groups gnomAD compares: African/African-American, 0.051%; no homozygotes.

Submissions (3):

Labcorp Genetics (formerly Invitae), Labcorp
Classification: Likely benign for Nephronophthisis 15. Last evaluated: 2025-10-15. Review status: criteria provided, single submitter. Criteria: Invitae Variant Classification Sherloc (09022015). Collection method: clinical testing. Allele origin: germline.

PreventionGenetics, part of Exact Sciences
Classification: Likely benign for CEP164-related condition. Last evaluated: 2025-03-26. Review status: criteria provided, single submitter. Criteria: ACMG Guidelines, 2015. Collection method: clinical testing. Allele origin: germline.
Comment: This variant is classified as likely benign based on ACMG/AMP sequence variant interpretation guidelines (Richards et al. 2015 PMID: 25741868, with internal and published modifications).

Blueprint Genetics
Classification: Likely benign. Last evaluated: 2022-06-29. Review status: criteria provided, single submitter. Criteria: ACMG Guidelines, 2015. Collection method: clinical testing. Allele origin: germline.